The following is an entry in ClinVar:

NM_020686.6(ABAT):c.42C>G (p.Phe14Leu)

Gene: ABAT (4-aminobutyrate aminotransferase; plus strand). Cytogenetic location: 16p13.2.
Variant type: single nucleotide variant.
Coding change: c.42C>G on transcript NM_020686.6 (MANE Select); coding-DNA position 42, C replaced by G.
Protein change: p.Phe14Leu; replaces phenylalanine 14 with leucine.
Molecular consequence: missense variant. On other transcripts: intron variant (3).
Genome position (GRCh38, 1-based): chr16:8,735,781, C>G. VCF-style: chr16-8735781-C-G. GRCh37 (hg19) VCF-style: chr16-8829638-C-G.
Other names: c.42C>G, p.Phe14Leu (NM_000663.5, NM_001127448.2, NM_001386600.1 and 13 more transcripts); c.-65-10220C>G (NM_001386611.1, NM_001386612.1, NM_001386613.1); short protein forms F14L.
Identifiers: ClinVar variation 576904 (VCV000576904.9), dbSNP rs1567293995, ClinGen allele CA394691155.

ClinVar aggregate classification (germline): Uncertain significance (1 of 4 stars; one submission).

Conditions:
Gamma-aminobutyric acid transaminase deficiency (GABATD). Also called: GABA aminotransaminase deficiency; GABA transaminase deficiency; Gamma aminobutyrate transaminase deficiency; 4 alpha aminobutyrate transaminase deficiency. Identifiers: Orphanet 2066, MedGen C0342708, MONDO:0013166, OMIM 613163.

Allele frequency attached by ClinVar (database versions not stated): TOPMed below 0.00001.
gnomAD v4.1: 15 of 1,607,916 alleles (0.00093%); highest among the groups gnomAD compares: African/African-American, 0.0013%; no homozygotes.

Submission:

Labcorp Genetics (formerly Invitae), Labcorp
Classification: Uncertain significance for Gamma-aminobutyric acid transaminase deficiency. Last evaluated: 2023-10-13. Review status: criteria provided, single submitter. Criteria: Invitae Variant Classification Sherloc (09022015). Collection method: clinical testing. Allele origin: germline.
Comment: This sequence change replaces phenylalanine, which is neutral and non-polar, with leucine, which is neutral and non-polar, at codon 14 of the ABAT protein (p.Phe14Leu). This variant is not present in population databases (gnomAD no frequency). This variant has not been reported in the literature in individuals affected with ABAT-related conditions. ClinVar contains an entry for this variant (Variation ID: 576904). Algorithms developed to predict the effect of missense changes on protein structure and function output the following: SIFT: "Not Available"; PolyPhen-2: "Benign"; Align-GVGD: "Not Available". The leucine amino acid residue is found in multiple mammalian species, which suggests that this missense change does not adversely affect protein function. In summary, the available evidence is currently insufficient to determine the role of this variant in disease. Therefore, it has been classified as a Variant of Uncertain Significance.